The following is an entry in ClinVar:

NM_001378120.1(MBD5):c.1012C>T (p.Pro338Ser)

Gene: MBD5 (methyl-CpG binding domain protein 5; plus strand). Cytogenetic location: 2q23.1.
Variant type: single nucleotide variant.
Coding change: c.1012C>T on transcript NM_001378120.1 (MANE Select); coding-DNA position 1012, C replaced by T.
Protein change: p.Pro338Ser; replaces proline 338 with serine.
Molecular consequence: missense variant.
Genome position (GRCh38, 1-based): chr2:148,468,955, C>T. VCF-style: chr2-148468955-C-T. GRCh37 (hg19) VCF-style: chr2-149226524-C-T.
Other names: c.1012C>T (NM_018328.4); c.1012C>T, p.Pro338Ser (NM_018328.5); short protein forms P338S.
Identifiers: ClinVar variation 1486301 (VCV001486301.10), dbSNP rs755505551, ClinGen allele CA348718190.

ClinVar aggregate classification (germline): Uncertain significance. Review status: criteria provided, multiple submitters, no conflicts (2 of 4 stars). 3 submissions from 3 submitters: Uncertain significance (3). Last evaluated 2026-02-23.

Conditions:
Inborn genetic diseases. Identifiers: MedGen C0950123, MeSH D030342.
Intellectual developmental disorder, autosomal dominant 1. Also called: Intellectual disability, autosomal dominant 1; MBD5 Haploinsufficiency. Identifiers: Orphanet 228402, MedGen C1969562, MONDO:0007974, OMIM 156200.

Allele frequency attached by ClinVar (database versions not stated): gnomAD 0.00001.
gnomAD v4.1: 2 of 1,613,486 alleles (0.00012%); highest among the groups gnomAD compares: African/African-American, 0.0027%; no homozygotes.

Submissions (3):

Ambry Genetics
Classification: Uncertain significance for Inborn genetic diseases. Last evaluated: 2026-02-23. Review status: criteria provided, single submitter. Criteria: Ambry Variant Classification Scheme 2023. Collection method: clinical testing. Allele origin: germline.

Labcorp Genetics (formerly Invitae), Labcorp
Classification: Uncertain significance for Intellectual developmental disorder, autosomal dominant 1. Last evaluated: 2025-08-15. Review status: criteria provided, single submitter. Criteria: Invitae Variant Classification Sherloc (09022015). Collection method: clinical testing. Allele origin: germline.
Comment: This sequence change replaces proline, which is neutral and non-polar, with serine, which is neutral and polar, at codon 338 of the MBD5 protein (p.Pro338Ser). This variant is present in population databases (no rsID available, gnomAD 0.01%). This variant has not been reported in the literature in individuals affected with MBD5-related conditions. ClinVar contains an entry for this variant (Variation ID: 1486301). Invitae Evidence Modeling of protein sequence and biophysical properties (such as structural, functional, and spatial information, amino acid conservation, physicochemical variation, residue mobility, and thermodynamic stability) indicates that this missense variant is not expected to disrupt MBD5 protein function with a negative predictive value of 80%. In summary, the available evidence is currently insufficient to determine the role of this variant in disease. Therefore, it has been classified as a Variant of Uncertain Significance.

GeneDx
Classification: Uncertain significance. Last evaluated: 2023-10-05. Review status: criteria provided, single submitter. Criteria: GeneDx Variant Classification Process June 2021. Collection method: clinical testing. Allele origin: germline. Affected: yes.
Comment: Not observed at significant frequency in large population cohorts (gnomAD); In silico analysis supports that this missense variant does not alter protein structure/function; Has not been previously published as pathogenic or benign to our knowledge